The following is an entry in ClinVar:

ClinVar aggregate classification (germline): Uncertain significance (1 of 4 stars; one submission).

Conditions:
Myofibrillar myopathy 3 (MFM3). Also called: Muscular dystrophy, proximal, type 1A; Autosomal dominant spheroid body myopathy. Identifiers: Orphanet 266, Orphanet 268129, MedGen C3714934, MONDO:0012215, OMIM 609200.

Allele frequency attached by ClinVar (database versions not stated): ExAC 0.00001; gnomAD 0.00001 and 0.00002; TOPMed 0.00001.
gnomAD v4.1: 12 of 1,607,196 alleles (0.00075%); highest among the groups gnomAD compares: South Asian, 0.0033%; no homozygotes.

Submission:

Labcorp Genetics (formerly Invitae), Labcorp
Classification: Uncertain significance for Myofibrillar myopathy 3. Last evaluated: 2019-12-24. Review status: criteria provided, single submitter. Criteria: Invitae Variant Classification Sherloc (09022015). Collection method: clinical testing. Allele origin: germline.
Comment: This variant is present in population databases (rs761659382, ExAC 0.006%). This variant has not been reported in the literature in individuals with MYOT-related conditions. Algorithms developed to predict the effect of missense changes on protein structure and function are either unavailable or do not agree on the potential impact of this missense change (SIFT: "Deleterious"; PolyPhen-2: "Probably Damaging"; Align-GVGD: "Class C0"). This sequence change replaces arginine with glutamine at codon 395 of the MYOT protein (p.Arg395Gln). The arginine residue is highly conserved and there is a small physicochemical difference between arginine and glutamine. In summary, the available evidence is currently insufficient to determine the role of this variant in disease. Therefore, it has been classified as a Variant of Uncertain Significance.

NM_006790.3(MYOT):c.1184G>A (p.Arg395Gln)

Genes: MYOT (myotilin; plus strand), PKD2L2-DT (PKD2L2 divergent transcript; minus strand). Cytogenetic location: 5q31.2.
Variant type: single nucleotide variant.
Coding change: c.1184G>A on transcript NM_006790.3 (MANE Select); coding-DNA position 1184, G replaced by A.
Protein change: p.Arg395Gln; replaces arginine 395 with glutamine.
Molecular consequence: missense variant.
Genome position (GRCh38, 1-based): chr5:137,886,207, G>A. VCF-style: chr5-137886207-G-A. GRCh37 (hg19) VCF-style: chr5-137221896-G-A.
Other names: c.632G>A, p.Arg211Gln (NM_001135940.2); c.839G>A, p.Arg280Gln (NM_001300911.2); short protein forms R211Q, R395Q, R280Q.
Identifiers: ClinVar variation 842635 (VCV000842635.13), dbSNP rs761659382, ClinGen allele CA3423118.